The following is an entry in ClinVar:

NM_153026.3(PRICKLE1):c.774T>C (p.Ile258=)

Gene: PRICKLE1 (prickle planar cell polarity protein 1; minus strand). Cytogenetic location: 12q12.
Variant type: single nucleotide variant.
Coding change: c.774T>C on transcript NM_153026.3 (MANE Select); coding-DNA position 774, T replaced by C.
Protein change: p.Ile258=; no amino-acid change (isoleucine 258 retained).
Molecular consequence: synonymous variant.
Genome position (GRCh38, 1-based): chr12:42,466,195, A>G on the plus strand (T>C on the coding strand, the complement: PRICKLE1 is on the minus strand). VCF-style: chr12-42466195-A-G. GRCh37 (hg19) VCF-style: chr12-42859997-A-G.
Other names: c.774T>C, p.Ile258= (NM_001144881.2, NM_001144882.2, NM_001144883.2).
Identifiers: ClinVar variation 2706589 (VCV002706589.3), dbSNP rs2503430924, ClinGen allele CA479287005.
Genomic context (GRCh38, chr12:42,466,195, plus strand): 5'-ATAATCCAAGACAGACTAATGGCTAGGTGACAGGGCAGACGGGCTGGCTGTGGACTTACC[A>G]ATATGTTCCCCACAGGTTTCACAGTACTCCGCATAGAGAGACTCAAAACAGCCACAGCAG-3'
Protein context (NP_694571.2, residues 248-268): AEYCETCGEH[Ile258=]GVDHAQMTYD

ClinVar aggregate classification (germline): Uncertain significance (1 of 4 stars; one submission).

Conditions:
Epilepsy, progressive myoclonic, 1B. Also called: PME. Identifiers: Orphanet 308, MedGen C2676254, MONDO:0012904, OMIM 612437.

Allele frequency attached by ClinVar (database versions not stated): gnomAD exomes below 0.00001.
gnomAD v4.1: 5 of 1,614,230 alleles (0.00031%); highest among the groups gnomAD compares: East Asian, 0.0022%; no homozygotes.

Submission:

Labcorp Genetics (formerly Invitae), Labcorp
Classification: Uncertain significance for Epilepsy, progressive myoclonic, 1B. Last evaluated: 2023-12-30. Review status: criteria provided, single submitter. Criteria: Invitae Variant Classification Sherloc (09022015). Collection method: clinical testing. Allele origin: germline.
Comment: This sequence change affects codon 258 of the PRICKLE1 mRNA. It is a 'silent' change, meaning that it does not change the encoded amino acid sequence of the PRICKLE1 protein. It affects a nucleotide within the consensus splice site. This variant is not present in population databases (gnomAD no frequency). This variant has not been reported in the literature in individuals affected with PRICKLE1-related conditions. Algorithms developed to predict the effect of sequence changes on RNA splicing suggest that this variant is not likely to affect RNA splicing. In summary, the available evidence is currently insufficient to determine the role of this variant in disease. Therefore, it has been classified as a Variant of Uncertain Significance.